The following is an entry in ClinVar:

NM_153700.2(STRC):c.5189G>A (p.Arg1730Gln)

Gene: STRC (stereocilin; minus strand). Cytogenetic location: 15q15.3.
Variant type: single nucleotide variant.
Coding change: c.5189G>A on transcript NM_153700.2 (MANE Select); coding-DNA position 5189, G replaced by A.
Protein change: p.Arg1730Gln; replaces arginine 1730 with glutamine.
Molecular consequence: missense variant.
Genome position (GRCh38, 1-based): chr15:43,600,010, C>T on the plus strand (G>A on the coding strand, the complement: STRC is on the minus strand). VCF-style: chr15-43600010-C-T. GRCh37 (hg19) VCF-style: chr15-43892208-C-T.
Other names: short protein forms R1730Q.
Identifiers: ClinVar variation 3351772 (VCV003351772.1).

ClinVar aggregate classification (germline): Uncertain significance (0 of 4 stars; one submission).

Conditions:
STRC-related disorder. Also called: STRC-related condition.

Submission:

PreventionGenetics, part of Exact Sciences
Classification: Uncertain significance for STRC-related condition. Last evaluated: 2024-05-03. Review status: no assertion criteria provided. Collection method: clinical testing. Allele origin: germline.
Comment: The STRC c.5189G>A variant is predicted to result in the amino acid substitution p.Arg1730Gln. To our knowledge, this variant has not been reported in the literature. This variant is reported in 0.038% of alleles in individuals of European (Finnish) descent in gnomAD. At this time, the clinical significance of this variant is uncertain due to the absence of conclusive functional and genetic evidence.